The following is an entry in ClinVar:

NM_000092.5(COL4A4):c.2663G>A (p.Gly888Glu)

Gene: COL4A4 (collagen type IV alpha 4 chain; minus strand). Cytogenetic location: 2q36.3.
Variant type: single nucleotide variant.
Coding change: c.2663G>A on transcript NM_000092.5 (MANE Select); coding-DNA position 2663, G replaced by A.
Protein change: p.Gly888Glu; replaces glycine 888 with glutamic acid.
Molecular consequence: missense variant.
Genome position (GRCh38, 1-based): chr2:227,055,998, C>T on the plus strand (G>A on the coding strand, the complement: COL4A4 is on the minus strand). VCF-style: chr2-227055998-C-T. GRCh37 (hg19) VCF-style: chr2-227920714-C-T.
Other names: short protein forms G888E.
Identifiers: ClinVar variation 3338414 (VCV003338414.1).

ClinVar aggregate classification (germline): Likely pathogenic (1 of 4 stars; one submission).

Conditions:
Autosomal recessive Alport syndrome (ATS2). Also called: COL4A3-Related Nephropathy; COL4A4 Alport Syndrome and Thin Basement Membrane Nephropathy; ALPORT SYNDROME 2, AUTOSOMAL RECESSIVE; Alport syndrome type 2. Identifiers: Orphanet 63, Orphanet 88919, MedGen C4746745, MONDO:0008762, OMIM 203780.

Submission:

MVZ Medizinische Genetik Mainz
Classification: Likely pathogenic for Autosomal recessive Alport syndrome. Last evaluated: 2024-08-09. Review status: criteria provided, single submitter. Criteria: UK Practice Guidelines For Variant Classification V4 01 2020. Collection method: clinical testing. Allele origin: germline. Inheritance: Autosomal dominant inheritance. Affected: yes. Observed: 1 variant allele.
Comment: ACMG Criteria: PM1_STR,PM2_SUP,PM5_SUP,PP3,PP4